The following is an entry in ClinVar:

NM_015488.5(PNKD):c.353-9T>G

Genes: CATIP-AS2 (CATIP antisense RNA 2; minus strand), PNKD (PNKD metallo-beta-lactamase domain containing; plus strand). Cytogenetic location: 2q35.
Variant type: single nucleotide variant.
Coding change: c.353-9T>G on transcript NM_015488.5 (MANE Select); 9 bases into the intron before coding-DNA position 353, T replaced by G.
Molecular consequence: intron variant.
Genome position (GRCh38, 1-based): chr2:218,340,020, T>G. VCF-style: chr2-218340020-T-G. GRCh37 (hg19) VCF-style: chr2-219204743-T-G.
Other names: c.281-9T>G (NM_022572.4).
Identifiers: ClinVar variation 1391567 (VCV001391567.6), dbSNP rs2106293111, ClinGen allele CA2573135297.

ClinVar aggregate classification (germline): Uncertain significance (1 of 4 stars; one submission).

Conditions:
Paroxysmal nonkinesigenic dyskinesia. Also called: Paroxysmal non-kinesigenic dyskinesia. Identifiers: Orphanet 98810, MedGen C1869117, MONDO:0700088.

Allele frequency attached by ClinVar (database versions not stated): gnomAD exomes below 0.00001.
gnomAD v4.1: 1 of 1,594,738 alleles (0.000063%); highest among the groups gnomAD compares: Non-Finnish European, 0.000086%; no homozygotes.

Submission:

Labcorp Genetics (formerly Invitae), Labcorp
Classification: Uncertain significance for Paroxysmal nonkinesigenic dyskinesia. Last evaluated: 2021-11-05. Review status: criteria provided, single submitter. Criteria: Invitae Variant Classification Sherloc (09022015). Collection method: clinical testing. Allele origin: germline.
Comment: This variant has not been reported in the literature in individuals affected with PNKD-related conditions. This variant is not present in population databases (gnomAD no frequency). This sequence change falls in intron 3 of the PNKD gene. It does not directly change the encoded amino acid sequence of the PNKD protein. Algorithms developed to predict the effect of sequence changes on RNA splicing suggest that this variant may disrupt the consensus splice site. In summary, the available evidence is currently insufficient to determine the role of this variant in disease. Therefore, it has been classified as a Variant of Uncertain Significance.